The following is an entry in ClinVar:

NM_001184880.2(PCDH19):c.1778A>T (p.Glu593Val)

Gene: PCDH19 (protocadherin 19; minus strand). Cytogenetic location: Xq22.1.
Variant type: single nucleotide variant.
Coding change: c.1778A>T on transcript NM_001184880.2 (MANE Select); coding-DNA position 1778, A replaced by T.
Protein change: p.Glu593Val; replaces glutamic acid 593 with valine.
Molecular consequence: missense variant.
Genome position (GRCh38, 1-based): chrX:100,406,820, T>A on the plus strand (A>T on the coding strand, the complement: PCDH19 is on the minus strand). VCF-style: chrX-100406820-T-A. GRCh37 (hg19) VCF-style: chrX-99661818-T-A.
Other names: c.1778A>T, p.Glu593Val (NM_001105243.2, NM_020766.3); short protein forms E593V.
Identifiers: ClinVar variation 4281712 (VCV004281712.1).

ClinVar aggregate classification (germline): Uncertain significance (1 of 4 stars; one submission).

Submission:

GeneDx
Classification: Uncertain significance. Last evaluated: 2025-04-08. Review status: criteria provided, single submitter. Criteria: GeneDx Variant Classification Process June 2021. Collection method: clinical testing. Allele origin: germline. Affected: yes.
Comment: Not observed at significant frequency in large population cohorts (gnomAD); In silico analysis indicates that this missense variant does not alter protein structure/function; Has not been previously published as pathogenic or benign to our knowledge